The following is an entry in ClinVar:

NM_000051.4(ATM):c.8451T>C (p.Tyr2817=)

Genes: ATM (ATM serine/threonine kinase; plus strand), C11orf65 (chromosome 11 open reading frame 65; minus strand). Cytogenetic location: 11q22.3.
Variant type: single nucleotide variant.
Coding change: c.8451T>C on transcript NM_000051.4 (MANE Select); coding-DNA position 8451, T replaced by C.
Protein change: p.Tyr2817=; no amino-acid change (tyrosine 2817 retained).
Molecular consequence: synonymous variant. On other transcripts: intron variant (2).
Genome position (GRCh38, 1-based): chr11:108,345,775, T>C. VCF-style: chr11-108345775-T-C. GRCh37 (hg19) VCF-style: chr11-108216502-T-C.
Other names: c.8451T>C, p.Tyr2817= (NM_001351834.2); c.641-36704A>G (NM_001330368.2); c.695-10483A>G (NM_001351110.2).
Identifiers: ClinVar variation 2854140 (VCV002854140.4), dbSNP rs2137026687, ClinGen allele CA476673071.

ClinVar aggregate classification (germline): Benign/Likely benign. Review status: criteria provided, multiple submitters, no conflicts (2 of 4 stars). 2 submissions from 2 submitters: Benign (1); Likely benign (1). Last evaluated 2024-06-20.

Conditions:
Ataxia-telangiectasia syndrome (AT). Also called: LOUIS-BAR SYNDROME; Cerebello-oculocutaneous telangiectasia; Immunodeficiency with ataxia telangiectasia; Ataxia telangiectasia (A-T); Ataxia-telangiectasia, complementation group D; AT, COMPLEMENTATION GROUP C. Identifiers: Orphanet 100, MedGen C0004135, MONDO:0008840, OMIM 208900.
Familial cancer of breast. Also called: BREAST CANCER, FAMILIAL; Hereditary breast cancer; hereditary breast carcinoma. Identifiers: Orphanet 227535, MedGen C0346153, MONDO:0016419, OMIM 114480. Disease mechanism: loss of function.

Submissions (2):

Myriad Genetics, Inc.
Classification: Benign for Familial cancer of breast. Last evaluated: 2024-06-20. Review status: criteria provided, single submitter. Criteria: Myriad Autosomal Dominant, Autosomal Recessive and X-Linked Classification Criteria (2023). Collection method: clinical testing. Allele origin: unknown.
Comment: This variant is considered benign. This variant is a silent/synonymous amino acid change and it is not expected to impact splicing.

Labcorp Genetics (formerly Invitae), Labcorp
Classification: Likely benign for Ataxia-telangiectasia syndrome. Last evaluated: 2023-04-09. Review status: criteria provided, single submitter. Criteria: Invitae Variant Classification Sherloc (09022015). Collection method: clinical testing. Allele origin: germline.